The following is an entry in ClinVar:

NM_000037.4(ANK1):c.3116-9T>A

Gene: ANK1 (ankyrin 1; minus strand). Cytogenetic location: 8p11.21.
Variant type: single nucleotide variant.
Coding change: c.3116-9T>A on transcript NM_000037.4 (MANE Select); 9 bases into the intron before coding-DNA position 3116, T replaced by A.
Molecular consequence: intron variant.
Genome position (GRCh38, 1-based): chr8:41,694,812, A>T on the plus strand (T>A on the coding strand, the complement: ANK1 is on the minus strand). VCF-style: chr8-41694812-A-T. GRCh37 (hg19) VCF-style: chr8-41552330-A-T.
Other names: c.3239-9T>A (NM_001142446.2); c.3116-9T>A (NM_020477.3, NM_020475.3, NM_020476.3).
Identifiers: ClinVar variation 1347793 (VCV001347793.8), dbSNP rs775620184, ClinGen allele CA2573143158.

ClinVar aggregate classification (germline): Uncertain significance (1 of 4 stars; one submission).

Submission:

Labcorp Genetics (formerly Invitae), Labcorp
Classification: Uncertain significance. Last evaluated: 2021-04-23. Review status: criteria provided, single submitter. Criteria: Invitae Variant Classification Sherloc (09022015). Collection method: clinical testing. Allele origin: germline.
Comment: In summary, the available evidence is currently insufficient to determine the role of this variant in disease. Therefore, it has been classified as a Variant of Uncertain Significance. Algorithms developed to predict the effect of sequence changes on RNA splicing suggest that this variant may disrupt the consensus splice site, but this prediction has not been confirmed by published transcriptional studies. This variant has not been reported in the literature in individuals with ANK1-related conditions. This variant is not present in population databases (ExAC no frequency). This sequence change falls in intron 27 of the ANK1 gene. It does not directly change the encoded amino acid sequence of the ANK1 protein.